The following is an entry in ClinVar:

ClinVar aggregate classification (germline): Pathogenic (1 of 4 stars; one submission).

Conditions:
Hermansky-Pudlak syndrome 3 (HPS3). Identifiers: Orphanet 231512, Orphanet 79430, MedGen C3888001, MONDO:0013555, OMIM 614072.

Submission:

Victorian Clinical Genetics Services, Murdoch Childrens Research Institute
Classification: Pathogenic for Hermansky-Pudlak syndrome 3. Last evaluated: 2024-10-09. Review status: criteria provided, single submitter. Criteria: ACMG Guidelines, 2015. Collection method: clinical testing. Allele origin: germline. Affected: yes.
Comment: This variant is classified as Pathogenic. Evidence in support of pathogenic classification: Variant is predicted to cause nonsense-mediated decay (NMD) and loss of protein (premature termination codon is located at least 54 nucleotides upstream of the final exon-exon junction); Variant is present in gnomAD <0.01 for a recessive condition (v3: 1 heterozygote, 0 homozygotes); This variant has limited previous evidence of pathogenicity in an unrelated individual. c.2423G>A; p.(Trp808*) is seen once in ClinVar as likely pathogenic; Other NMD-predicted variants comparable to the one identified in this case have very strong previous evidence for pathogenicity (DECIPHER); Strong phenotype match for this individual. Additional information: This variant is heterozygous; This gene is associated with autosomal recessive disease; No published segregation evidence has been identified for this variant; No published functional evidence has been identified for this variant; Loss of function is a known mechanism of disease in this gene and is associated with Hermansky-Pudlak syndrome-3 (MIM#614072); Heterozygous variant detected in trans with a likely PATHOGENIC heterozygous variant (NM_032383.4(HPS3):c.272A>C; p.(Tyr91Ser)) in a recessive disease.

NM_032383.5(HPS3):c.2424G>A (p.Trp808Ter)

Genes: CP (ceruloplasmin; minus strand), HPS3 (HPS3 biogenesis of lysosomal organelles complex 2 subunit 1; plus strand). Cytogenetic location: 3q24.
Variant type: single nucleotide variant.
Coding change: c.2424G>A on transcript NM_032383.5 (MANE Select); coding-DNA position 2424, G replaced by A.
Protein change: p.Trp808Ter; replaces tryptophan 808 with a stop codon.
Molecular consequence: nonsense. On other transcripts: non-coding transcript variant (1).
Genome position (GRCh38, 1-based): chr3:149,162,821, G>A. VCF-style: chr3-149162821-G-A. GRCh37 (hg19) VCF-style: chr3-148880608-G-A.
Other names: c.1929G>A, p.Trp643Ter (NM_001308258.2); short protein forms W643*, W808*.
Identifiers: ClinVar variation 3377064 (VCV003377064.3).